The following is an entry in ClinVar:

NM_001174089.2(SLC4A11):c.2045G>A (p.Trp682Ter)

Gene: SLC4A11 (solute carrier family 4 member 11; minus strand). Cytogenetic location: 20p13.
Variant type: single nucleotide variant.
Coding change: c.2045G>A on transcript NM_001174089.2 (MANE Select); coding-DNA position 2045, G replaced by A.
Protein change: p.Trp682Ter; replaces tryptophan 682 with a stop codon.
Molecular consequence: nonsense. On other transcripts: non-coding transcript variant (3).
Genome position (GRCh38, 1-based): chr20:3,228,985, C>T on the plus strand (G>A on the coding strand, the complement: SLC4A11 is on the minus strand). VCF-style: chr20-3228985-C-T. GRCh37 (hg19) VCF-style: chr20-3209631-C-T.
Other names: c.2174G>A, p.Trp725Ter (NM_001174090.2); c.1931G>A, p.Trp644Ter (NM_001363745.2); c.1988G>A, p.Trp663Ter (NM_001400277.1, NM_001400278.1, NM_001400279.1); c.2060G>A, p.Trp687Ter (NM_001400280.1); c.2093G>A, p.Trp698Ter (NM_032034.4); short protein forms W644*, W663*, W682*, W687*, W698*, W725*.
Identifiers: ClinVar variation 2094307 (VCV002094307.4), dbSNP rs2514523804, ClinGen allele CA408087138.

ClinVar aggregate classification (germline): Pathogenic (1 of 4 stars; one submission).

Allele frequency attached by ClinVar (database versions not stated): gnomAD exomes below 0.00001.
gnomAD v4.1: 1 of 1,613,576 alleles (0.000062%); highest among the groups gnomAD compares: Non-Finnish European, 0.000085%; no homozygotes.

Submission:

Labcorp Genetics (formerly Invitae), Labcorp
Classification: Pathogenic. Last evaluated: 2022-02-06. Review status: criteria provided, single submitter. Criteria: Invitae Variant Classification Sherloc (09022015). Collection method: clinical testing. Allele origin: germline.
Comment: For these reasons, this variant has been classified as Pathogenic. Algorithms developed to predict the effect of sequence changes on RNA splicing suggest that this variant may create or strengthen a splice site. This variant has not been reported in the literature in individuals affected with SLC4A11-related conditions. This variant is not present in population databases (gnomAD no frequency). This sequence change creates a premature translational stop signal (p.Trp698*) in the SLC4A11 gene. It is expected to result in an absent or disrupted protein product. Loss-of-function variants in SLC4A11 are known to be pathogenic (PMID: 17220209, 17679935).

Literature cited by the submitters: PubMed 17220209; PubMed 17679935.